The following is an entry in ClinVar:

ClinVar aggregate classification (germline): Uncertain significance (1 of 4 stars; one submission).

Submission:

GeneDx
Classification: Uncertain significance. Last evaluated: 2024-12-07. Review status: criteria provided, single submitter. Criteria: GeneDx Variant Classification Process June 2021. Collection method: clinical testing. Allele origin: germline. Affected: yes.
Comment: Not observed at significant frequency in large population cohorts (gnomAD); In silico analysis indicates that this missense variant does not alter protein structure/function; Has not been previously published as pathogenic or benign to our knowledge

NM_015295.3(SMCHD1):c.929T>C (p.Ile310Thr)

Gene: SMCHD1 (structural maintenance of chromosomes flexible hinge domain containing 1; plus strand). Cytogenetic location: 18p11.32.
Variant type: single nucleotide variant.
Coding change: c.929T>C on transcript NM_015295.3 (MANE Select); coding-DNA position 929, T replaced by C.
Protein change: p.Ile310Thr; replaces isoleucine 310 with threonine.
Molecular consequence: missense variant.
Genome position (GRCh38, 1-based): chr18:2,694,582, T>C. VCF-style: chr18-2694582-T-C. GRCh37 (hg19) VCF-style: chr18-2694580-T-C.
Other names: short protein forms I310T.
Identifiers: ClinVar variation 3901398 (VCV003901398.1).